The following is an entry in ClinVar:

ClinVar aggregate classification (germline): Uncertain significance (1 of 4 stars; one submission).

Submission:

Labcorp Genetics (formerly Invitae), Labcorp
Classification: Uncertain significance. Last evaluated: 2025-05-17. Review status: criteria provided, single submitter. Criteria: Invitae Variant Classification Sherloc (09022015). Collection method: clinical testing. Allele origin: germline.
Comment: This sequence change replaces valine, which is neutral and non-polar, with alanine, which is neutral and non-polar, at codon 356 of the RECQL protein (p.Val356Ala). This variant is not present in population databases (gnomAD no frequency). This variant has not been reported in the literature in individuals affected with RECQL-related conditions. Invitae Evidence Modeling of protein sequence and biophysical properties (such as structural, functional, and spatial information, amino acid conservation, physicochemical variation, residue mobility, and thermodynamic stability) indicates that this missense variant is not expected to disrupt RECQL protein function with a negative predictive value of 80%. In summary, the available evidence is currently insufficient to determine the role of this variant in disease. Therefore, it has been classified as a Variant of Uncertain Significance.

NM_002907.4(RECQL):c.1067T>C (p.Val356Ala)

Gene: RECQL (RecQ like helicase; minus strand). Cytogenetic location: 12p12.1.
Variant type: single nucleotide variant.
Coding change: c.1067T>C on transcript NM_002907.4 (MANE Select); coding-DNA position 1067, T replaced by C.
Protein change: p.Val356Ala; replaces valine 356 with alanine.
Molecular consequence: missense variant.
Genome position (GRCh38, 1-based): chr12:21,475,707, A>G on the plus strand (T>C on the coding strand, the complement: RECQL is on the minus strand). VCF-style: chr12-21475707-A-G. GRCh37 (hg19) VCF-style: chr12-21628641-A-G.
Other names: c.1067T>C, p.Val356Ala (NM_032941.3); short protein forms V356A.
Identifiers: ClinVar variation 4743932 (VCV004743932.1).